The following is an entry in ClinVar:

ClinVar aggregate classification (germline): Uncertain significance. Review status: criteria provided, multiple submitters, no conflicts (2 of 4 stars). 2 submissions from 2 submitters: Uncertain significance (2). Last evaluated 2021-11-13.

Conditions:
Cardiovascular phenotype. Identifiers: MedGen CN230736.
Brugada syndrome 8 (BRGDA8). Identifiers: Orphanet 130, MedGen C2751083, MONDO:0013148, OMIM 613123.

Allele frequency attached by ClinVar (database versions not stated): gnomAD exomes below 0.00001; TOPMed below 0.00001.
gnomAD v4.1: 1 of 1,324,076 alleles (0.000076%); highest among the groups gnomAD compares: South Asian, 0.0021%; no homozygotes.

Submissions (2):

Labcorp Genetics (formerly Invitae), Labcorp
Classification: Uncertain significance for Brugada syndrome 8. Last evaluated: 2021-11-13. Review status: criteria provided, single submitter. Criteria: Invitae Variant Classification Sherloc (09022015). Collection method: clinical testing. Allele origin: germline.
Comment: In summary, the available evidence is currently insufficient to determine the role of this variant in disease. Therefore, it has been classified as a Variant of Uncertain Significance. Advanced modeling of protein sequence and biophysical properties (such as structural, functional, and spatial information, amino acid conservation, physicochemical variation, residue mobility, and thermodynamic stability) performed at Invitae indicates that this missense variant is not expected to disrupt HCN4 protein function. This variant has not been reported in the literature in individuals affected with HCN4-related conditions. The frequency data for this variant in the population databases is considered unreliable, as metrics indicate poor data quality at this position in the gnomAD database. This sequence change replaces aspartic acid, which is acidic and polar, with asparagine, which is neutral and polar, at codon 136 of the HCN4 protein (p.Asp136Asn).

Ambry Genetics
Classification: Uncertain significance for Cardiovascular phenotype. Last evaluated: 2020-11-09. Review status: criteria provided, single submitter. Criteria: Ambry Variant Classification Scheme 2023. Collection method: clinical testing. Allele origin: germline.
Comment: The p.D136N variant (also known as c.406G>A), located in coding exon 1 of the HCN4 gene, results from a G to A substitution at nucleotide position 406. The aspartic acid at codon 136 is replaced by asparagine, an amino acid with highly similar properties. This amino acid position is not well conserved in available vertebrate species. In addition, this alteration is predicted to be tolerated by in silico analysis. Since supporting evidence is limited at this time, the clinical significance of this alteration remains unclear.

NM_005477.3(HCN4):c.406G>A (p.Asp136Asn)

Gene: HCN4 (hyperpolarization activated cyclic nucleotide gated potassium channel 4; minus strand). Cytogenetic location: 15q24.1.
Variant type: single nucleotide variant.
Coding change: c.406G>A on transcript NM_005477.3 (MANE Select); coding-DNA position 406, G replaced by A.
Protein change: p.Asp136Asn; replaces aspartic acid 136 with asparagine.
Molecular consequence: missense variant.
Genome position (GRCh38, 1-based): chr15:73,367,865, C>T on the plus strand (G>A on the coding strand, the complement: HCN4 is on the minus strand). VCF-style: chr15-73367865-C-T. GRCh37 (hg19) VCF-style: chr15-73660206-C-T.
Other names: short protein forms D136N.
Identifiers: ClinVar variation 1423132 (VCV001423132.8), dbSNP rs1294780632, ClinGen allele CA393098121.
Genomic context (GRCh38, chr15:73,367,865, plus strand): 5'-CGGGGCGCTCGGGCTCGGCCGCCAGGCCTGGGGGCGTCCTGTCCTCGCCGGGGGACGCGT[C>T]GCCCTCGGCGATGAGCCGCCGCTCCTCCGCGGAGTCATGCAGGTGTCCGTGACTGCTGCC-3'
Protein context (NP_005468.1, residues 126-146): AEERRLIAEG[Asp136Asn]ASPGEDRTPP